The following is an entry in ClinVar:

ClinVar aggregate classification (germline): Uncertain significance (1 of 4 stars; one submission).

Allele frequency attached by ClinVar (database versions not stated): gnomAD exomes below 0.00001; ExAC 0.00002.
gnomAD v4.1: 2 of 1,603,952 alleles (0.00012%); highest among the groups gnomAD compares: East Asian, 0.0045%; no homozygotes.

Submission:

Labcorp Genetics (formerly Invitae), Labcorp
Classification: Uncertain significance. Last evaluated: 2022-02-04. Review status: criteria provided, single submitter. Criteria: Invitae Variant Classification Sherloc (09022015). Collection method: clinical testing. Allele origin: germline.
Comment: In summary, the available evidence is currently insufficient to determine the role of this variant in disease. Therefore, it has been classified as a Variant of Uncertain Significance. Algorithms developed to predict the effect of missense changes on protein structure and function (SIFT, PolyPhen-2, Align-GVGD) all suggest that this variant is likely to be tolerated. This variant has not been reported in the literature in individuals affected with WHRN-related conditions. This variant is present in population databases (rs780218779, gnomAD 0.006%). This sequence change replaces asparagine, which is neutral and polar, with histidine, which is basic and polar, at codon 559 of the WHRN protein (p.Asn559His).

NM_015404.4(WHRN):c.1675A>C (p.Asn559His)

Gene: WHRN (whirlin; minus strand). Cytogenetic location: 9q32.
Variant type: single nucleotide variant.
Coding change: c.1675A>C on transcript NM_015404.4 (MANE Select); coding-DNA position 1675, A replaced by C.
Protein change: p.Asn559His; replaces asparagine 559 with histidine.
Molecular consequence: missense variant.
Genome position (GRCh38, 1-based): chr9:114,407,970, T>G on the plus strand (A>C on the coding strand, the complement: WHRN is on the minus strand). VCF-style: chr9-114407970-T-G. GRCh37 (hg19) VCF-style: chr9-117170250-T-G.
Other names: c.526A>C, p.Asn176His (NM_001083885.3); c.1675A>C, p.Asn559His (NM_001173425.2); c.622A>C, p.Asn208His (NM_001346890.1); short protein forms N559H, N208H, N176H.
Identifiers: ClinVar variation 2092717 (VCV002092717.4), dbSNP rs780218779, ClinGen allele CA5205857.